The following is an entry in ClinVar:

ClinVar aggregate classification (germline): Uncertain significance (1 of 4 stars; one submission).

Conditions:
FGFR2-related craniosynostosis. Identifiers: MedGen CN231480.

Submission:

Labcorp Genetics (formerly Invitae), Labcorp
Classification: Uncertain significance for FGFR2-related craniosynostosis. Last evaluated: 2024-07-05. Review status: criteria provided, single submitter. Criteria: Invitae Variant Classification Sherloc (09022015). Collection method: clinical testing. Allele origin: germline.
Comment: This sequence change replaces serine, which is neutral and polar, with threonine, which is neutral and polar, at codon 619 of the FGFR2 protein (p.Ser619Thr). This variant is not present in population databases (gnomAD no frequency). This variant has not been reported in the literature in individuals affected with FGFR2-related conditions. Advanced modeling of protein sequence and biophysical properties (such as structural, functional, and spatial information, amino acid conservation, physicochemical variation, residue mobility, and thermodynamic stability) performed at Invitae indicates that this missense variant is expected to disrupt FGFR2 protein function with a positive predictive value of 95%. In summary, the available evidence is currently insufficient to determine the role of this variant in disease. Therefore, it has been classified as a Variant of Uncertain Significance.

NM_000141.5(FGFR2):c.1855T>A (p.Ser619Thr)

Gene: FGFR2 (fibroblast growth factor receptor 2; minus strand). Cytogenetic location: 10q26.13.
Variant type: single nucleotide variant.
Coding change: c.1855T>A on transcript NM_000141.5 (MANE Select); coding-DNA position 1855, T replaced by A.
Protein change: p.Ser619Thr; replaces serine 619 with threonine.
Molecular consequence: missense variant. On other transcripts: non-coding transcript variant (1).
Genome position (GRCh38, 1-based): chr10:121,496,540, A>T on the plus strand (T>A on the coding strand, the complement: FGFR2 is on the minus strand). VCF-style: chr10-121496540-A-T. GRCh37 (hg19) VCF-style: chr10-123256054-A-T.
Other names: c.1849T>A, p.Ser617Thr (NM_001320658.2); c.1858T>A, p.Ser620Thr (NM_022970.4, NM_001144913.1); c.1588T>A, p.Ser530Thr (NM_023029.3, NM_001144915.2); c.1519T>A, p.Ser507Thr (NM_001144914.1); c.1510T>A, p.Ser504Thr (NM_001144916.2); c.1507T>A, p.Ser503Thr (NM_001144917.2); c.1504T>A, p.Ser502Thr (NM_001144918.2); c.1591T>A, p.Ser531Thr (NM_001144919.2); and 1 more; short protein forms S531T, S530T, S617T, S620T, S502T, S503T, S504T, S507T.
Identifiers: ClinVar variation 3705118 (VCV003705118.2).